The following is an entry in ClinVar:

ClinVar aggregate classification (germline): Uncertain significance (1 of 4 stars; one submission).

gnomAD v4.1: 1 of 1,614,024 alleles (0.000062%); highest among the groups gnomAD compares: Non-Finnish European, 0.000085%; no homozygotes.

Submission:

Labcorp Genetics (formerly Invitae), Labcorp
Classification: Uncertain significance. Last evaluated: 2025-01-28. Review status: criteria provided, single submitter. Criteria: Invitae Variant Classification Sherloc (09022015). Collection method: clinical testing. Allele origin: germline.
Comment: This sequence change replaces proline, which is neutral and non-polar, with serine, which is neutral and polar, at codon 2504 of the KMT2A protein (p.Pro2504Ser). This variant is not present in population databases (gnomAD no frequency). This variant has not been reported in the literature in individuals affected with KMT2A-related conditions. Invitae Evidence Modeling of protein sequence and biophysical properties (such as structural, functional, and spatial information, amino acid conservation, physicochemical variation, residue mobility, and thermodynamic stability) indicates that this missense variant is not expected to disrupt KMT2A protein function with a negative predictive value of 95%. In summary, the available evidence is currently insufficient to determine the role of this variant in disease. Therefore, it has been classified as a Variant of Uncertain Significance.

NM_001197104.2(KMT2A):c.7510C>T (p.Pro2504Ser)

Gene: KMT2A (lysine methyltransferase 2A; plus strand). Cytogenetic location: 11q23.3.
Variant type: single nucleotide variant.
Coding change: c.7510C>T on transcript NM_001197104.2 (MANE Select); coding-DNA position 7510, C replaced by T.
Protein change: p.Pro2504Ser; replaces proline 2504 with serine.
Molecular consequence: missense variant.
Genome position (GRCh38, 1-based): chr11:118,503,402, C>T. VCF-style: chr11-118503402-C-T. GRCh37 (hg19) VCF-style: chr11-118374117-C-T.
Other names: c.7600C>T, p.Pro2534Ser (NM_001412597.1); c.7501C>T, p.Pro2501Ser (NM_005933.4); short protein forms P2534S, P2504S, P2501S.
Identifiers: ClinVar variation 3689373 (VCV003689373.2).